The following is an entry in ClinVar:

ClinVar aggregate classification (germline): Uncertain significance. Review status: criteria provided, multiple submitters, no conflicts (2 of 4 stars). 4 submissions from 4 submitters: Uncertain significance (4). Last evaluated 2025-11-20.

Conditions:
Neurodegeneration, childhood-onset, stress-induced, with variable ataxia and seizures. Identifiers: Orphanet 694922, MedGen C4748527, MONDO:0100095, OMIM 618170.
Inborn genetic diseases. Identifiers: MedGen C0950123, MeSH D030342.

Allele frequency attached by ClinVar (database versions not stated): ExAC below 0.00001; gnomAD exomes 0.00001; TOPMed 0.00002.
gnomAD v4.1: 47 of 1,474,224 alleles (0.0032%); highest among the groups gnomAD compares: Middle Eastern, 0.12%; no homozygotes.

Submissions (4):

Ambry Genetics
Classification: Uncertain significance for Inborn genetic diseases. Last evaluated: 2025-11-20. Review status: criteria provided, single submitter. Criteria: Ambry Variant Classification Scheme 2023. Collection method: clinical testing. Allele origin: germline.

Blueprint Genetics
Classification: Uncertain significance. Last evaluated: 2024-09-20. Review status: criteria provided, single submitter. Criteria: ACMG Guidelines, 2015. Collection method: clinical testing. Allele origin: germline.

Baylor Genetics
Classification: Uncertain significance for Neurodegeneration, childhood-onset, stress-induced, with variable ataxia and seizures. Last evaluated: 2020-01-23. Review status: criteria provided, single submitter. Criteria: ACMG Guidelines, 2015. Collection method: clinical testing. Allele origin: unknown. Affected: yes.
Comment: This variant was determined to be of uncertain significance according to ACMG Guidelines, 2015 [PMID:25741868].

Breakthrough Genomics
Classification: Uncertain significance. Review status: criteria provided, single submitter. Criteria: ACMG Guidelines, 2015. Collection method: not provided. Allele origin: germline. Inheritance: Autosomal recessive inheritance. Affected: yes.

NM_017825.3(ADPRS):c.136G>T (p.Val46Phe)

Gene: ADPRS (ADP-ribosylserine hydrolase; plus strand). Cytogenetic location: 1p34.3.
Variant type: single nucleotide variant.
Coding change: c.136G>T on transcript NM_017825.3 (MANE Select); coding-DNA position 136, G replaced by T.
Protein change: p.Val46Phe; replaces valine 46 with phenylalanine.
Molecular consequence: missense variant.
Genome position (GRCh38, 1-based): chr1:36,089,040, G>T. VCF-style: chr1-36089040-G-T. GRCh37 (hg19) VCF-style: chr1-36554641-G-T.
Other names: short protein forms V46F.
Identifiers: ClinVar variation 1029486 (VCV001029486.4), dbSNP rs749889837, ClinGen allele CA764487.